The following continues an entry in ClinVar:

NM_000256.3(MYBPC3):c.3277G>T (p.Gly1093Cys)

Gene: MYBPC3. ClinVar aggregate classification (germline): Uncertain significance. Uncertain significance (12).

Submissions 8 to 12 of 12:

Victorian Clinical Genetics Services, Murdoch Childrens Research Institute
Classification: Uncertain significance for Hypertrophic cardiomyopathy 4. Last evaluated: 2023-07-17. Review status: criteria provided, single submitter. Criteria: ACMG Guidelines, 2015. Collection method: clinical testing. Allele origin: germline. Affected: yes.
Comment: Based on the classification scheme VCGS_Germline_v1.3.4, this variant is classified as a VUS-3A Following criteria are met: 0102 - Loss of function is a known mechanism of disease in this gene and is associated with hypertrophic cardiomyopathy 4 (HCM; MIM#115197). (I) 0108 - This gene is associated with both recessive and dominant disease. Heterozygous variants are frequently reported in adult onset conditions, however recessive inheritance results in a more severe early onset phenotype (OMIM). (I) 0115 - Variants in this gene are known to have variable expressivity (PMID: 32841044). (I) 0200 - Variant is predicted to result in a missense amino acid change from glycine to cysteine. (I) 0251 - This variant is heterozygous. (I) 0304 - Variant is present in gnomAD <0.01 (v2 & v3: 9 heterozygotes, 0 homozygotes). (SP) 0309 - An alternative amino acid change at the same position has been observed in gnomAD (v2) (1 heterozygote, 0 homozygotes). (I) 0501 - Missense variant consistently predicted to be damaging by multiple in silico tools and very highly conserved with a major amino acid change. (SP) 0600 - Variant is located in the annotated fibronectin type III domain (DECIPHER). (I) 0710 - An alternative missense variant at the same position has inconclusive previous evidence for pathogenicity. The p.(Gly1093Ser) variant has been reported once as a VUS (ClinVar). (I) 0809 - Previous evidence of pathogenicity for this variant is inconclusive. This variant has been reported multiple times as a VUS by multiple clinical diagnostic laboratories including VCGS (ClinVar, VCGS). At VGCS this variant has been observed in two patients with HCM, one of whom harbours a likely pathogenic variant in MYH7. It has also been reported in multiple individuals with HCM in the literature, including in one HCM family with multiple affecteds, although it is unclear in some instances if the same patient has been reported in different publications (PMIDs: 27000522, 28408708, 28790153). (I) 0905 - No published segregation evidence has been identified for this variant. However, it should be noted that segregation with HCM in two affected relatives from one family is indicated in one ClinVar entry. (I) 1007 - No published functional evidence has been identified for this variant. (I) 1208 - Inheritance information for this variant is not currently available in this individual. (I) Legend: (SP) - Supporting Pathogenic, (I) – Information, (SB) - Supporting Benign

CHEO Genetics Diagnostic Laboratory, Children's Hospital of Eastern Ontario
Classification: Uncertain significance for Cardiomyopathy. Last evaluated: 2022-10-26. Review status: criteria provided, single submitter. Criteria: ACMG Guidelines, 2015. Collection method: clinical testing. Allele origin: germline.

Laboratory for Molecular Medicine, Mass General Brigham Personalized Medicine
Classification: Uncertain significance. Last evaluated: 2019-08-02. Review status: criteria provided, single submitter. Criteria: LMM Criteria. Collection method: clinical testing. Allele origin: germline. Observed: 2 variant alleles.
Comment: The p.Gly1093Cys variant in MYBPC3 has been identified in 7 individuals with HCM and segregated with disease in 2 affected relatives from 1 family (Burns 2017, Cann 2017, Walsh 2017, LMM data). It has also been identified in 0.008% (8/103250) European chromosomes by gnomAD and reported in ClinVar (Variation ID#164043). Computational prediction tools and conservation analyses suggest that this variant may impact the protein, though this information is not predictive enough to determine pathogenicity. In summary, the clinical significance of this variant is uncertain. ACMG/AMP Criteria applied: PP3.

GeneDx
Classification: Uncertain significance. Last evaluated: 2019-02-18. Review status: criteria provided, single submitter. Criteria: GeneDx Variant Classification Process June 2021. Collection method: clinical testing. Allele origin: germline. Affected: yes.
Comment: Reported in association with HCM (Cann et al., 2016; Burns et al., 2017; Ingles et al., 2017; Walsh et al., 2017). Cann et al. (2016) identified G1093C in a proband with sudden death immediately after exercise who was diagnosed with HCM at autopsy; segregation analysis and clinical evaluation revealed that out of the eight relatives who also harbored G1093C, two were clinically affected with HCM.; Reported in ClinVar as a variant of uncertain significance (ClinVar Variant ID# 164043; Landrum et al., 2016); In silico analysis, which includes protein predictors and evolutionary conservation, supports a deleterious effect; This variant is associated with the following publications: (PMID: 28790153, 27000522, 28408708, 27532257)

Agnes Ginges Centre for Molecular Cardiology, Centenary Institute
Classification: Uncertain significance for Hypertrophic cardiomyopathy 4. Last evaluated: 2017-04-19. Review status: criteria provided, single submitter. Criteria: ACMG Guidelines, 2015. Collection method: research. Allele origin: germline. Affected: yes.
Comment: The MYBPC3 Gly1093Cys variant has not been reported previously in literature, however it has been seen in 2 HCM cases in one laboratory (LMM Clinvar: SCV000198813.2, personal communication) and another 3 HCM cases by Oxford Medical Genetics Laboratories (Walsh R, et al., 2017), the variant was also identified in an affected family member (personal communications). The variant is absent in the large Exome Aggregation Consortium dataset, as well as the 1000 genomes project. Computational tools SIFT, PolyPhen-2, and MutationTaster all predict this variant to have a deleterious effect, but no prediction is called by PolyPhen-HCM. In summary, based on rarity in the general population, reports of a few HCM probands carrying the variant and in silico tools supportive of a deleterious effect on the protein, we classify MYBPC3 Gly1093Cys as a variant of "uncertain significance".

Literature cited by the submitters: PubMed 27000522 (cited by 7 submitters); PubMed 27532257 (cited by 7 submitters); PubMed 28790153 (cited by 7 submitters); PubMed 32841044 (cited by Ambry Genetics and Victorian Clinical Genetics Services, Murdoch Childrens Research Institute); PubMed 30297972 (cited by Women's Health and Genetics/Laboratory Corporation of America, LabCorp); PubMed 35629155 (cited by Women's Health and Genetics/Laboratory Corporation of America, LabCorp); PubMed 28408708 (cited by Women's Health and Genetics/Laboratory Corporation of America, LabCorp and Victorian Clinical Genetics Services, Murdoch Childrens Research Institute); PubMed 37652022 (cited by 3 submitters); PubMed 36578016 (cited by Women's Health and Genetics/Laboratory Corporation of America, LabCorp); PubMed 38279275 (cited by Women's Health and Genetics/Laboratory Corporation of America, LabCorp); PubMed 33495597 (cited by Color Diagnostics, LLC DBA Color Health and All of Us Research Program, National Institutes of Health); PubMed 33782553 (cited by Labcorp Genetics (formerly Invitae), Labcorp).